The following is an entry in ClinVar:

NM_001111125.3(IQSEC2):c.968A>G (p.Tyr323Cys)

Gene: IQSEC2 (IQ motif and Sec7 domain ArfGEF 2; minus strand). Cytogenetic location: Xp11.22.
Variant type: single nucleotide variant.
Coding change: c.968A>G on transcript NM_001111125.3 (MANE Select); coding-DNA position 968, A replaced by G.
Protein change: p.Tyr323Cys; replaces tyrosine 323 with cysteine.
Molecular consequence: missense variant.
Genome position (GRCh38, 1-based): chrX:53,255,831, T>C on the plus strand (A>G on the coding strand, the complement: IQSEC2 is on the minus strand). VCF-style: chrX-53255831-T-C. GRCh37 (hg19) VCF-style: chrX-53285013-T-C.
Other names: c.968A>G, p.Tyr323Cys (NM_001410736.1); c.353A>G, p.Tyr118Cys (NM_015075.2); short protein forms Y323C, Y118C.
Identifiers: ClinVar variation 2842286 (VCV002842286.3), dbSNP rs2519849949, ClinGen allele CA413171129.

ClinVar aggregate classification (germline): Uncertain significance (1 of 4 stars; one submission).

Conditions:
Intellectual developmental disorder, X-linked 1. Also called: Atkin Flaitz Patil Smith syndrome; Intellectual disability, X-linked 1; MENTAL RETARDATION, X-LINKED 18; MENTAL RETARDATION, X-LINKED 78. Identifiers: Orphanet 777, MedGen C2931498, MONDO:0010656, OMIM 309530.

Submission:

Labcorp Genetics (formerly Invitae), Labcorp
Classification: Uncertain significance for Intellectual developmental disorder, X-linked 1. Last evaluated: 2023-03-02. Review status: criteria provided, single submitter. Criteria: Invitae Variant Classification Sherloc (09022015). Collection method: clinical testing. Allele origin: germline.
Comment: In summary, the available evidence is currently insufficient to determine the role of this variant in disease. Therefore, it has been classified as a Variant of Uncertain Significance. Advanced modeling of protein sequence and biophysical properties (such as structural, functional, and spatial information, amino acid conservation, physicochemical variation, residue mobility, and thermodynamic stability) has been performed at Invitae for this missense variant, however the output from this modeling did not meet the statistical confidence thresholds required to predict the impact of this variant on IQSEC2 protein function. This variant has not been reported in the literature in individuals affected with IQSEC2-related conditions. This variant is not present in population databases (gnomAD no frequency). This sequence change replaces tyrosine, which is neutral and polar, with cysteine, which is neutral and slightly polar, at codon 323 of the IQSEC2 protein (p.Tyr323Cys).